The following is an entry in ClinVar:

NM_000132.4(F8):c.4251T>C (p.Ser1417=)

Gene: F8 (coagulation factor VIII; minus strand). Cytogenetic location: Xq28.
Variant type: single nucleotide variant.
Coding change: c.4251T>C on transcript NM_000132.4 (MANE Select); coding-DNA position 4251, T replaced by C.
Protein change: p.Ser1417=; no amino-acid change (serine 1417 retained).
Molecular consequence: synonymous variant.
Genome position (GRCh38, 1-based): chrX:154,929,539, A>G on the plus strand (T>C on the coding strand, the complement: F8 is on the minus strand). VCF-style: chrX-154929539-A-G. GRCh37 (hg19) VCF-style: chrX-154157814-A-G.
Identifiers: ClinVar variation 4993084 (VCV004993084.1).

ClinVar aggregate classification (germline): Likely benign (1 of 4 stars; one submission).

Conditions:
F8-related disorder. Also called: F8-related condition.

gnomAD v4.1: 4 of 1,209,115 alleles (0.00033%); highest among the groups gnomAD compares: Non-Finnish European, 0.00045%; no homozygotes.

Submission:

PreventionGenetics, part of Exact Sciences
Classification: Likely benign for F8-related condition. Last evaluated: 2026-03-12. Review status: criteria provided, single submitter. Criteria: ACMG Guidelines, 2015. Collection method: clinical testing. Allele origin: germline.
Comment: This variant is classified as likely benign based on ACMG/AMP sequence variant interpretation guidelines (Richards et al. 2015 PMID: 25741868, with internal and published modifications).